The following is an entry in ClinVar:

ClinVar aggregate classification (germline): Uncertain significance (1 of 4 stars; one submission).

Conditions:
Neuroblastoma, susceptibility to, 3. Also called: ALK-Related Neuroblastic Tumor Susceptibility. Identifiers: Orphanet 635, MedGen C2751681, MONDO:0013083, OMIM 613014.

Allele frequency attached by ClinVar (database versions not stated): gnomAD 0.00001.

Submission:

Labcorp Genetics (formerly Invitae), Labcorp
Classification: Uncertain significance for Neuroblastoma, susceptibility to, 3. Last evaluated: 2022-03-08. Review status: criteria provided, single submitter. Criteria: Invitae Variant Classification Sherloc (09022015). Collection method: clinical testing. Allele origin: germline.
Comment: This sequence change replaces proline, which is neutral and non-polar, with serine, which is neutral and polar, at codon 97 of the ALK protein (p.Pro97Ser). This variant is present in population databases (no rsID available, gnomAD 0.007%). This variant has not been reported in the literature in individuals affected with ALK-related conditions. Algorithms developed to predict the effect of missense changes on protein structure and function are either unavailable or do not agree on the potential impact of this missense change (SIFT: "Deleterious"; PolyPhen-2: "Benign"; Align-GVGD: "Class C0"). In summary, the available evidence is currently insufficient to determine the role of this variant in disease. Therefore, it has been classified as a Variant of Uncertain Significance.

NM_004304.5(ALK):c.289C>T (p.Pro97Ser)

Gene: ALK (ALK receptor tyrosine kinase; minus strand). Cytogenetic location: 2p23.1.
Variant type: single nucleotide variant.
Coding change: c.289C>T on transcript NM_004304.5 (MANE Select); coding-DNA position 289, C replaced by T.
Protein change: p.Pro97Ser; replaces proline 97 with serine.
Molecular consequence: missense variant.
Genome position (GRCh38, 1-based): chr2:29,920,371, G>A on the plus strand (C>T on the coding strand, the complement: ALK is on the minus strand). VCF-style: chr2-29920371-G-A. GRCh37 (hg19) VCF-style: chr2-30143237-G-A.
Other names: short protein forms P97S.
Identifiers: ClinVar variation 1517074 (VCV001517074.8), dbSNP rs1331610896, ClinGen allele CA346590324.